The following is an entry in ClinVar:

NM_003998.4(NFKB1):c.2482G>A (p.Asp828Asn)

Gene: NFKB1 (nuclear factor kappa B subunit 1; plus strand). Cytogenetic location: 4q24.
Variant type: single nucleotide variant.
Coding change: c.2482G>A on transcript NM_003998.4 (MANE Select); coding-DNA position 2482, G replaced by A.
Protein change: p.Asp828Asn; replaces aspartic acid 828 with asparagine.
Molecular consequence: missense variant.
Genome position (GRCh38, 1-based): chr4:102,612,496, G>A. VCF-style: chr4-102612496-G-A. GRCh37 (hg19) VCF-style: chr4-103533653-G-A.
Other names: c.2479G>A, p.Asp827Asn (NM_001165412.2, NM_001319226.2, NM_001382627.1); c.2482G>A, p.Asp828Asn (NM_001382625.1, NM_001382626.1); c.2440G>A, p.Asp814Asn (NM_001382628.1); short protein forms D814N, D827N, D828N.
Identifiers: ClinVar variation 1721962 (VCV001721962.5), dbSNP rs2476590509, ClinGen allele CA357754700.

ClinVar aggregate classification (germline): Uncertain significance (1 of 4 stars; one submission).

Submission:

Labcorp Genetics (formerly Invitae), Labcorp
Classification: Uncertain significance. Last evaluated: 2022-10-20. Review status: criteria provided, single submitter. Criteria: Invitae Variant Classification Sherloc (09022015). Collection method: clinical testing. Allele origin: germline.
Comment: This variant has not been reported in the literature in individuals affected with NFKB1-related conditions. This variant is not present in population databases (gnomAD no frequency). This sequence change replaces aspartic acid, which is acidic and polar, with asparagine, which is neutral and polar, at codon 828 of the NFKB1 protein (p.Asp828Asn). Algorithms developed to predict the effect of missense changes on protein structure and function are either unavailable or do not agree on the potential impact of this missense change (SIFT: "Deleterious"; PolyPhen-2: "Probably Damaging"; Align-GVGD: "Class C0"). In summary, the available evidence is currently insufficient to determine the role of this variant in disease. Therefore, it has been classified as a Variant of Uncertain Significance.